The following is an entry in ClinVar:

NM_002863.5(PYGL):c.229_231del (p.Asp77del)

Gene: PYGL (glycogen phosphorylase L; minus strand). Cytogenetic location: 14q22.1.
Variant type: Deletion.
Coding change: c.229_231del on transcript NM_002863.5 (MANE Select); coding-DNA positions 229 to 231, 3 bases deleted (GAC; older notation c.229_231delGAC).
Protein change: p.Asp77del; deletes aspartic acid 77.
Molecular consequence: inframe deletion.
Genome position (GRCh38, 1-based): chr14:50,944,173-50,944,175, GTC deleted on the plus strand (GAC on the coding strand, the reverse complement: PYGL is on the minus strand); deleting any 3 consecutive bases within chr14:50,944,173-50,944,177 gives the same sequence; the c. name uses the placement nearest the transcript's 3' end. VCF-style (leftmost placement, unchanged base first): chr14-50944172-TGTC-T. GRCh37 (hg19) VCF-style: chr14-51410890-TGTC-T.
Other names: c.229_231del, p.Asp77del (NM_001163940.2); short protein forms D77del.
Identifiers: ClinVar variation 2736111 (VCV002736111.3), dbSNP rs1463812837, ClinGen allele CA614275203.

ClinVar aggregate classification (germline): Uncertain significance (1 of 4 stars; one submission).

Conditions:
Glycogen storage disease, type VI (GSD6). Also called: Glycogen storage disease type 6, due to phosphorylation; GSD VI; Glycogen storage disease type 6; Hepatic glycogen phosphorylase deficiency; HERS DISEASE; PHOSPHORYLASE DEFICIENCY GLYCOGEN-STORAGE DISEASE OF LIVER. Identifiers: Orphanet 369, MedGen C0017925, MONDO:0009294, OMIM 232700.

Submission:

Labcorp Genetics (formerly Invitae), Labcorp
Classification: Uncertain significance for Glycogen storage disease, type VI. Last evaluated: 2023-12-20. Review status: criteria provided, single submitter. Criteria: Invitae Variant Classification Sherloc (09022015). Collection method: clinical testing. Allele origin: germline.
Comment: This variant, c.229_231del, results in the deletion of 1 amino acid(s) of the PYGL protein (p.Asp77del), but otherwise preserves the integrity of the reading frame. This variant is present in population databases (no rsID available, gnomAD 0.003%). This variant has been observed in individuals with glycogen storage disease type VI (PMID: 25070466, 33782433). Experimental studies and prediction algorithms are not available or were not evaluated, and the functional significance of this variant is currently unknown. In summary, the available evidence is currently insufficient to determine the role of this variant in disease. Therefore, it has been classified as a Variant of Uncertain Significance.

Literature cited by the submitters: PubMed 25070466; PubMed 33782433.